The following is an entry in ClinVar:

ClinVar aggregate classification (germline): Conflicting classifications of pathogenicity. Review status: criteria provided, conflicting classifications (1 of 4 stars). 8 submissions from 8 submitters: Uncertain significance (1); Benign (1); Likely benign (5). 1 of the submissions does not count toward it. Last evaluated 2025-08-18.

Conditions:
Classic or attenuated familial adenomatous polyposis. Identifiers: MedGen CN372698, MONDO:0021057.
APC-related disorder. Also called: APC-related condition.
Familial adenomatous polyposis 1 (FAP1). Also called: FAMILIAL ADENOMATOUS POLYPOSIS 1, ATTENUATED; POLYPOSIS, ADENOMATOUS INTESTINAL. Identifiers: MedGen C2713442, MONDO:0021056, OMIM 175100. Disease mechanism: loss of function.
Hereditary cancer-predisposing syndrome. Also called: Tumor predisposition; Hereditary Cancer Syndrome; Hereditary neoplastic syndrome; Neoplastic Syndromes, Hereditary. Identifiers: Orphanet 140162, MedGen C0027672, MeSH D009386, MONDO:0015356.

gnomAD v4.1: 5 of 1,614,206 alleles (0.00031%); highest among the groups gnomAD compares: Non-Finnish European, 0.00034%; no homozygotes.

Submissions (8):

Labcorp Genetics (formerly Invitae), Labcorp
Classification: Likely benign for Familial adenomatous polyposis 1. Last evaluated: 2025-08-18. Review status: criteria provided, single submitter. Criteria: Invitae Variant Classification Sherloc (09022015). Collection method: clinical testing. Allele origin: germline.

Myriad Genetics, Inc.
Classification: Benign for Familial adenomatous polyposis 1. Last evaluated: 2024-03-08. Review status: criteria provided, single submitter. Criteria: Myriad Autosomal Dominant, Autosomal Recessive and X-Linked Classification Criteria (2023). Collection method: clinical testing. Allele origin: unknown.
Comment: This variant is considered benign. This variant is a silent/synonymous amino acid change and it is not expected to impact splicing.

All of Us Research Program, National Institutes of Health
Classification: Likely benign for Classic or attenuated familial adenomatous polyposis. Last evaluated: 2023-11-30. Review status: criteria provided, single submitter. Criteria: ACMG Guidelines, 2015. Collection method: clinical testing. Allele origin: germline. Inheritance: Autosomal dominant inheritance. Observed: 1 variant allele, 1 heterozygote.
Comment: This study involves interpretation of variants in research participants for the purpose of population health screening. Participant phenotype was not available at the time of variant classification. Additional details can be found in publication PMID: 35346344, PMCID: PMC8962531

Sema4
Classification: Likely benign for Hereditary cancer-predisposing syndrome. Last evaluated: 2021-06-13. Review status: criteria provided, single submitter. Criteria: Sema4 Curation Guidelines. Collection method: curation. Allele origin: germline.

Color Diagnostics, LLC DBA Color Health
Classification: Likely benign for Hereditary cancer-predisposing syndrome. Last evaluated: 2020-11-02. Review status: criteria provided, single submitter. Criteria: ACMG Guidelines, 2015. Collection method: clinical testing. Allele origin: germline.

Ambry Genetics
Classification: Likely benign for Hereditary cancer-predisposing syndrome. Last evaluated: 2018-02-09. Review status: criteria provided, single submitter. Criteria: Ambry Variant Classification Scheme 2023. Collection method: clinical testing. Allele origin: germline.

Quest Diagnostics Nichols Institute San Juan Capistrano
Classification: Uncertain significance. Last evaluated: 2017-09-25. Review status: criteria provided, single submitter. Criteria: Quest Diagnostics criteria. Collection method: clinical testing. Allele origin: germline.

PreventionGenetics, part of Exact Sciences
Classification: Likely benign for APC-related condition. Last evaluated: 2019-10-09. Review status: no assertion criteria provided. Collection method: clinical testing. Allele origin: germline. Not counted in ClinVar's aggregate classification.
Comment: This variant is classified as likely benign based on ACMG/AMP sequence variant interpretation guidelines (Richards et al. 2015 PMID: 25741868, with internal and published modifications).

NM_000038.6(APC):c.2094A>G (p.Leu698=)

Gene: APC (APC regulator of Wnt signaling pathway; plus strand). Cytogenetic location: 5q22.2.
Variant type: single nucleotide variant.
Coding change: c.2094A>G on transcript NM_000038.6 (MANE Select); coding-DNA position 2094, A replaced by G.
Protein change: p.Leu698=; no amino-acid change (leucine 698 retained).
Molecular consequence: synonymous variant.
Genome position (GRCh38, 1-based): chr5:112,837,688, A>G. VCF-style: chr5-112837688-A-G. GRCh37 (hg19) VCF-style: chr5-112173385-A-G.
Other names: c.2094A>G, p.Leu698= (NM_001127510.3, NM_001354895.2); c.2040A>G, p.Leu680= (NM_001127511.3); c.2148A>G, p.Leu716= (NM_001354896.2); c.2124A>G, p.Leu708= (NM_001354897.2); c.2019A>G, p.Leu673= (NM_001354898.2); c.2010A>G, p.Leu670= (NM_001354899.2); c.1971A>G, p.Leu657= (NM_001354900.2); c.1917A>G, p.Leu639= (NM_001354901.2); and 5 more.
Identifiers: ClinVar variation 537668 (VCV000537668.23), dbSNP rs1426881729, ClinGen allele CA445963409.
Genomic context (GRCh38, chr5:112,837,688, plus strand): 5'-TAATGCATGTGGAACTTTGTGGAATCTCTCAGCAAGAAATCCTAAAGACCAGGAAGCATT[A>G]TGGGACATGGGGGCAGTTAGCATGCTCAAGAACCTCATTCATTCAAAGCACAAAATGATT-3'
Protein context (NP_000029.2, residues 688-708): SARNPKDQEA[Leu698=]WDMGAVSMLK